The following is an entry in ClinVar:

ClinVar aggregate classification (germline): Pathogenic/Likely pathogenic. Review status: criteria provided, multiple submitters, no conflicts (2 of 4 stars). 4 submissions from 4 submitters: Pathogenic (1); Likely pathogenic (2). 1 of the submissions does not count toward it. Last evaluated 2025-06-12.

Conditions:
CYP24A1-related disorder. Also called: CYP24A1-related condition.
Hypercalcemia, infantile, 1 (HCINF1). Identifiers: Orphanet 300547, MedGen CN031131, MONDO:0020739, OMIM 143880.

Allele frequency attached by ClinVar (database versions not stated): ExAC 0.00001; gnomAD 0.00001 and 0.00002; gnomAD exomes 0.00001 and 0.00007; TOPMed 0.00006.
gnomAD v4.1: 26 of 1,614,072 alleles (0.0016%); highest among the groups gnomAD compares: Admixed American, 0.03%; no homozygotes.

Submissions (4):

Labcorp Genetics (formerly Invitae), Labcorp
Classification: Pathogenic. Last evaluated: 2025-06-12. Review status: criteria provided, single submitter. Criteria: Invitae Variant Classification Sherloc (09022015). Collection method: clinical testing. Allele origin: germline.
Comment: This sequence change replaces glutamic acid, which is acidic and polar, with glutamine, which is neutral and polar, at codon 383 of the CYP24A1 protein (p.Glu383Gln). This variant is present in population databases (rs777011420, gnomAD 0.03%). This missense change has been observed in individual(s) with infantile hypercalcemia (PMID: 26787776, 27394135). In at least one individual the data is consistent with being in trans (on the opposite chromosome) from a pathogenic variant. ClinVar contains an entry for this variant (Variation ID: 1455164). Invitae Evidence Modeling of protein sequence and biophysical properties (such as structural, functional, and spatial information, amino acid conservation, physicochemical variation, residue mobility, and thermodynamic stability) indicates that this missense variant is expected to disrupt CYP24A1 protein function with a positive predictive value of 95%. For these reasons, this variant has been classified as Pathogenic.

Institute of Human Genetics, University of Leipzig Medical Center
Classification: Likely pathogenic for Hypercalcemia, infantile, 1. Last evaluated: 2024-10-02. Review status: criteria provided, single submitter. Criteria: ACMG Guidelines, 2015. Collection method: clinical testing. Allele origin: inherited. Inheritance: Autosomal recessive inheritance. Affected: yes.
Comment: Criteria applied: PM2,PM3,PP3,PP4

Genomic Medicine Center of Excellence, King Faisal Specialist Hospital and Research Centre
Classification: Likely pathogenic for Hypercalcemia, infantile, 1. Last evaluated: 2024-04-04. Review status: criteria provided, single submitter. Criteria: ACMG Guidelines, 2015. Collection method: clinical testing. Allele origin: germline.

PreventionGenetics, part of Exact Sciences
Classification: Likely pathogenic for CYP24A1-related condition. Last evaluated: 2024-05-17. Review status: no assertion criteria provided. Collection method: clinical testing. Allele origin: germline. Not counted in ClinVar's aggregate classification.
Comment: The CYP24A1 c.1147G>C variant is predicted to result in the amino acid substitution p.Glu383Gln. This variant has been reported in the compound heterozygous state in individuals with hypercalciuric nephrolithiasis (Braun et al. 2016. PubMed ID: 26787776; Gigante et al. 2016. PubMed ID: 27394135). The p.Glu383 residue as a highly conserved amino acid is located in the αK helix and is known to be a key residue for interacting with the (2Fe-2S) electron transfer protein adrenodoxin (Adx); and the p.Glu383Gln change likely disturbs the conserved Glu383-Trp440 tertiary structure interaction, which is important for adrenodoxin interaction (Gigante et al. 2016. PubMed ID: 27394135; Annalora et al. 2010. PubMed ID: 19961857). This variant is reported in 0.032% of alleles in individuals of Latino descent in gnomAD. This variant is interpreted as likely pathogenic.

Literature cited by the submitters: PubMed 26787776 (cited by Labcorp Genetics (formerly Invitae), Labcorp); PubMed 27394135 (cited by Labcorp Genetics (formerly Invitae), Labcorp).

NM_000782.5(CYP24A1):c.1147G>C (p.Glu383Gln)

Gene: CYP24A1 (cytochrome P450 family 24 subfamily A member 1; minus strand). Cytogenetic location: 20q13.2.
Variant type: single nucleotide variant.
Coding change: c.1147G>C on transcript NM_000782.5 (MANE Select); coding-DNA position 1147, G replaced by C.
Protein change: p.Glu383Gln; replaces glutamic acid 383 with glutamine.
Molecular consequence: missense variant.
Genome position (GRCh38, 1-based): chr20:54,158,967, C>G on the plus strand (G>C on the coding strand, the complement: CYP24A1 is on the minus strand). VCF-style: chr20-54158967-C-G. GRCh37 (hg19) VCF-style: chr20-52775506-C-G.
Other names: c.1147G>C, p.Glu383Gln (NM_001128915.2); c.1147G>C (NM_000782.4); short protein forms E383Q.
Identifiers: ClinVar variation 1455164 (VCV001455164.12), dbSNP rs777011420, ClinGen allele CA9915892.
Genomic context (GRCh38, chr20:54,158,967, plus strand): 5'-CGAGAACAGTGTTCTAACACATTTATATTGGCTCAGAGATAGGCTCTTACCTCATAGATT[C>G]TTTCAGACAGGCTTTTAAATACGGCATATTCCTCAAATCTTCTGCCCGTGGCACCTGATT-3'
Protein context (NP_000773.2, residues 373-393): NMPYLKACLK[Glu383Gln]SMRLTPSVPF